The following is an entry in ClinVar:

ClinVar aggregate classification (germline): Likely pathogenic (1 of 4 stars; one submission).

Conditions:
Intellectual developmental disorder, autosomal dominant 52. Also called: Intellectual disability, autosomal dominant 52; Mental retardation, autosomal dominant 52. Identifiers: MedGen C4540478, MONDO:0030918, OMIM 617796.

Submission:

Victorian Clinical Genetics Services, Murdoch Childrens Research Institute
Classification: Likely pathogenic for Intellectual developmental disorder, autosomal dominant 52. Last evaluated: 2020-05-21. Review status: criteria provided, single submitter. Criteria: ACMG Guidelines, 2015. Collection method: clinical testing. Allele origin: germline. Inheritance: Autosomal dominant inheritance. Affected: yes.
Comment: A heterozygous missense variant was identified, NM_018489.2(ASH1L):c.4289G>T in exon 3 of the ASH1L gene. This substitution is predicted to create a major amino acid change from a glycine to a valine at position 1430 of the protein; NP_060959.2(ASH1L):p.(Gly1430Val). The glycine at this position has high conservation (100 vertebrates, UCSC), but is not situated in a known functional domain (NCBI, PDB). In silico software predictions of the pathogenicity of this variant are conflicting (PolyPhen2, SIFT, CADD, Mutation Taster). The variant is not present in the gnomAD population database. This variant has not previously been reported in clinical cases. Based on information available at the time of curation, this variant has been classified as LIKELY PATHOGENIC.

NM_018489.3(ASH1L):c.4289G>T (p.Gly1430Val)

Gene: ASH1L (ASH1 like histone lysine methyltransferase; minus strand). Cytogenetic location: 1q22.
Variant type: single nucleotide variant.
Coding change: c.4289G>T on transcript NM_018489.3 (MANE Select); coding-DNA position 4289, G replaced by T.
Protein change: p.Gly1430Val; replaces glycine 1430 with valine.
Molecular consequence: missense variant.
Genome position (GRCh38, 1-based): chr1:155,478,581, C>A on the plus strand (G>T on the coding strand, the complement: ASH1L is on the minus strand). VCF-style: chr1-155478581-C-A. GRCh37 (hg19) VCF-style: chr1-155448372-C-A.
Other names: c.4289G>T, p.Gly1430Val (NM_001366177.2); short protein forms G1430V.
Identifiers: ClinVar variation 1805299 (VCV001805299.2), dbSNP rs2527151935, ClinGen allele CA342703389.
Genomic context (GRCh38, chr1:155,478,581, plus strand): 5'-TCCTGTCGAAGTAGCTTATGCTTTTTCTTATGGTATTTGGCAGGATTGAGAAGTAAATGA[C>A]CAGCATGCATATAGGAAGGAGGTGGAAGTGGCGTGGTGAAAGAAGGAGATGGAGGAGGTG-3'
Protein context (NP_060959.2, residues 1420-1440): PLPPPSYMHA[Gly1430Val]HLLLNPAKYH